The following is an entry in ClinVar:

ClinVar aggregate classification (germline): Likely benign (1 of 4 stars; one submission).

Submission:

CeGaT Center for Human Genetics Tuebingen
Classification: Likely benign. Last evaluated: 2022-04-01. Review status: criteria provided, single submitter. Criteria: CeGaT Center For Human Genetics Tuebingen Variant Classification Criteria Version 2. Collection method: clinical testing. Allele origin: germline. Affected: yes. Observed: 1 variant allele.
Comment: CTC1: PM2:Supporting, BP4, BP7

NM_025099.6(CTC1):c.1899G>T (p.Leu633=)

Gene: CTC1 (CST telomere replication complex component 1; minus strand). Cytogenetic location: 17p13.1.
Variant type: single nucleotide variant.
Coding change: c.1899G>T on transcript NM_025099.6 (MANE Select); coding-DNA position 1899, G replaced by T.
Protein change: p.Leu633=; no amino-acid change (leucine 633 retained).
Molecular consequence: synonymous variant. On other transcripts: non-coding transcript variant (1).
Genome position (GRCh38, 1-based): chr17:8,232,952, C>A on the plus strand (G>T on the coding strand, the complement: CTC1 is on the minus strand). VCF-style: chr17-8232952-C-A. GRCh37 (hg19) VCF-style: chr17-8136270-C-A.
Other names: c.1899G>T, p.Leu633= (NM_001411067.1).
Identifiers: ClinVar variation 2647456 (VCV002647456.24), dbSNP rs983492190, ClinGen allele CA497780649.